The following is an entry in ClinVar:

NM_004006.3(DMD):c.961-2A>C

Gene: DMD (dystrophin; minus strand). Cytogenetic location: Xp21.1.
Variant type: single nucleotide variant.
Coding change: c.961-2A>C on transcript NM_004006.3 (MANE Select); the canonical splice acceptor site of the intron before coding-DNA position 961, A replaced by C.
Molecular consequence: splice acceptor variant.
Genome position (GRCh38, 1-based): chrX:32,645,154, T>G on the plus strand (A>C on the coding strand, the complement: DMD is on the minus strand). VCF-style: chrX-32645154-T-G. GRCh37 (hg19) VCF-style: chrX-32663271-T-G.
Other names: c.937-2A>C (NM_000109.4); c.949-2A>C (NM_004009.3); c.592-2A>C (NM_004010.3).
Identifiers: ClinVar variation 2439778 (VCV002439778.4), dbSNP rs2146836134, ClinGen allele CA412662452.

ClinVar aggregate classification (germline): Likely pathogenic. Review status: criteria provided, multiple submitters, no conflicts (2 of 4 stars). 2 submissions from 2 submitters: Likely pathogenic (2). Last evaluated 2026-01-28.

Conditions:
Duchenne muscular dystrophy (DMD). Also called: Duchenne Muscular Dystrophy (DMD); MUSCULAR DYSTROPHY, PSEUDOHYPERTROPHIC PROGRESSIVE, DUCHENNE TYPE. Identifiers: Orphanet 98896, MedGen C0013264, MONDO:0010679, OMIM 310200.

Submissions (2):

3billion
Classification: Likely pathogenic for Duchenne muscular dystrophy. Last evaluated: 2026-01-28. Review status: criteria provided, single submitter. Criteria: ACMG Guidelines, 2015. Collection method: clinical testing. Allele origin: germline. Affected: yes.
Comment: The variant is not observed in the gnomAD v4.1.0 dataset. Predicted Consequence/Location: Canonical splice site: predicted to alter splicing and result in a loss or disruption of normal protein function. Multiple pathogenic loss-of-function variants are reported downstream of the variant. In silico tools predict the variant to alter splicing and produce an abnormal transcript [SpliceAI: 0.99 (spliceogenicity >=0.2, non-spliceogenicity <0.1)]. The variant has been reported to be associated with DMD-related disorder (ClinVar ID: VCV002439778). Therefore, this variant is classified as Likely pathogenic according to the recommendation of ACMG/AMP guideline.

Revvity Omics, Revvity
Classification: Likely pathogenic. Last evaluated: 2023-01-18. Review status: criteria provided, single submitter. Criteria: ACMG Guidelines, 2015. Collection method: clinical testing. Allele origin: germline.